The following is an entry in ClinVar:

ClinVar aggregate classification (germline): Likely benign (1 of 4 stars; one submission).

Conditions:
Arrhythmogenic cardiomyopathy with wooly hair and keratoderma. Also called: Carvajal syndrome; PALMOPLANTAR KERATODERMA WITH LEFT VENTRICULAR CARDIOMYOPATHY AND WOOLLY HAIR; Dilated cardiomyopathy with woolly hair and keratoderma; Arrhythmogenic cardiomyopathy with woolly hair and keratoderma. Identifiers: Orphanet 65282, MedGen C1854063, MONDO:0011581, OMIM 605676.

Submission:

All of Us Research Program, National Institutes of Health
Classification: Likely benign for Arrhythmogenic cardiomyopathy with wooly hair and keratoderma. Last evaluated: 2023-04-10. Review status: criteria provided, single submitter. Criteria: ACMG Guidelines, 2015. Collection method: clinical testing. Allele origin: germline. Inheritance: Autosomal dominant inheritance. Observed: 2 variant alleles, 2 heterozygotes.
Comment: This study involves interpretation of variants in research participants for the purpose of population health screening. Participant phenotype was not available at the time of variant classification. Additional details can be found in publication PMID: 35346344, PMCID: PMC8962531

NM_004415.4(DSP):c.8112G>A (p.Lys2704=)

Gene: DSP (desmoplakin; plus strand). Cytogenetic location: 6p24.3.
Variant type: single nucleotide variant.
Coding change: c.8112G>A on transcript NM_004415.4 (MANE Select); coding-DNA position 8112, G replaced by A.
Protein change: p.Lys2704=; no amino-acid change (lysine 2704 retained).
Molecular consequence: synonymous variant.
Genome position (GRCh38, 1-based): chr6:7,585,374, G>A. VCF-style: chr6-7585374-G-A. GRCh37 (hg19) VCF-style: chr6-7585607-G-A.
Other names: c.6315G>A, p.Lys2105= (NM_001008844.3); c.6783G>A, p.Lys2261= (NM_001319034.2).
Identifiers: ClinVar variation 3069544 (VCV003069544.1), dbSNP rs2533949598, ClinGen allele CA448717077.
Genomic context (GRCh38, chr6:7,585,374, plus strand): 5'-GGCCACCAGGCTGAAGCCTGCTCAGAAAGCCTTCATAGGCTTCGAGGGTGTGAAGGGAAA[G>A]AAGAAGATGTCAGCAGCAGAGGCAGTGAAAGAAAAATGGCTCCCGTATGAGGCTGGCCAG-3'
Protein context (NP_004406.2, residues 2694-2714): AFIGFEGVKG[Lys2704=]KKMSAAEAVK